The following is an entry in ClinVar:

ClinVar aggregate classification (germline): Uncertain significance. Review status: criteria provided, multiple submitters, no conflicts (2 of 4 stars). 2 submissions from 2 submitters: Uncertain significance (2). Last evaluated 2022-02-04.

Conditions:
Epilepsy, familial focal, with variable foci 1 (FFEVF1). Also called: DEPDC5-Related Epilepsy. Identifiers: MedGen C4551983, MONDO:0024556, OMIM 604364.
Familial focal epilepsy with variable foci (FPEVF). Identifiers: Orphanet 98820, MedGen C1858477, MONDO:0020310.

Allele frequency attached by ClinVar (database versions not stated): TOPMed 0.00002.
gnomAD v4.1: 1 of 1,566,478 alleles (0.000064%); no homozygotes.

Submissions (2):

Labcorp Genetics (formerly Invitae), Labcorp
Classification: Uncertain significance for Familial focal epilepsy with variable foci. Last evaluated: 2022-02-04. Review status: criteria provided, single submitter. Criteria: Invitae Variant Classification Sherloc (09022015). Collection method: clinical testing. Allele origin: germline.
Comment: In summary, the available evidence is currently insufficient to determine the role of this variant in disease. Therefore, it has been classified as a Variant of Uncertain Significance. Algorithms developed to predict the effect of missense changes on protein structure and function are either unavailable or do not agree on the potential impact of this missense change (SIFT: "Deleterious"; PolyPhen-2: "Not Available"; Align-GVGD: "Class C0"). ClinVar contains an entry for this variant (Variation ID: 854935). This variant has not been reported in the literature in individuals affected with DEPDC5-related conditions. This variant is not present in population databases (gnomAD no frequency). This sequence change replaces aspartic acid, which is acidic and polar, with valine, which is neutral and non-polar, at codon 1160 of the DEPDC5 protein (p.Asp1160Val).

Institute of Human Genetics, University of Leipzig Medical Center
Classification: Uncertain significance for Epilepsy, familial focal, with variable foci 1. Last evaluated: 2021-08-23. Review status: criteria provided, single submitter. Criteria: ACMG Guidelines, 2015. Collection method: clinical testing. Allele origin: unknown. Affected: yes.

NM_001242896.3(DEPDC5):c.3479A>T (p.Asp1160Val)

Gene: DEPDC5 (DEP domain containing 5, GATOR1 subcomplex subunit; plus strand). Cytogenetic location: 22q12.3.
Variant type: single nucleotide variant.
Coding change: c.3479A>T on transcript NM_001242896.3 (MANE Select); coding-DNA position 3479, A replaced by T.
Protein change: p.Asp1160Val; replaces aspartic acid 1160 with valine.
Molecular consequence: missense variant. On other transcripts: non-coding transcript variant (5).
Genome position (GRCh38, 1-based): chr22:31,870,738, A>T. VCF-style: chr22-31870738-A-T. GRCh37 (hg19) VCF-style: chr22-32266724-A-T.
Other names: c.3452A>T, p.Asp1151Val (NM_001136029.4); c.3179A>T, p.Asp1060Val (NM_001242897.2); c.3413A>T, p.Asp1138Val (NM_001363852.2, NM_001364320.2); c.3245A>T, p.Asp1082Val (NM_001363854.2, NM_001364319.2); c.3479A>T, p.Asp1160Val (NM_001364318.2); c.3395A>T, p.Asp1132Val (NM_001369901.1, NM_001369902.1); c.3386A>T, p.Asp1129Val (NM_001369903.1, NM_014662.6); short protein forms D1160V, D1060V, D1138V, D1151V, D1129V, D1082V, D1132V.
Identifiers: ClinVar variation 854935 (VCV000854935.10), dbSNP rs1419496771, ClinGen allele CA411296983.